The following is an entry in ClinVar:

ClinVar aggregate classification (germline): Uncertain significance (1 of 4 stars; one submission).

gnomAD v4.1: 2 of 152,056 alleles (0.0013%); highest among the groups gnomAD compares: Non-Finnish European, 0.0029%; no homozygotes.

Submission:

GeneDx
Classification: Uncertain significance. Last evaluated: 2024-05-20. Review status: criteria provided, single submitter. Criteria: GeneDx Variant Classification Process June 2021. Collection method: clinical testing. Allele origin: germline. Affected: yes.
Comment: In silico analysis supports a deleterious effect on splicing; Has not been previously published as pathogenic or benign to our knowledge; No data available from control populations to assess the frequency of this variant

NM_000304.4(PMP22):c.-35+2T>A

Gene: PMP22 (peripheral myelin protein 22; minus strand). Cytogenetic location: 17p12.
Variant type: single nucleotide variant.
Coding change: c.-35+2T>A on transcript NM_000304.4 (MANE Select); the canonical splice donor site of the intron after 35 bases upstream of the start codon, T replaced by A.
Molecular consequence: splice donor variant.
Genome position (GRCh38, 1-based): chr17:15,265,152, A>T on the plus strand (T>A on the coding strand, the complement: PMP22 is on the minus strand). VCF-style: chr17-15265152-A-T. GRCh37 (hg19) VCF-style: chr17-15168469-A-T.
Other names: c.-31+2T>A (NM_001281456.2); c.-35+2T>A (NM_001330143.2).
Identifiers: ClinVar variation 3381463 (VCV003381463.1).